The following is an entry in ClinVar:

ClinVar aggregate classification (germline): Uncertain significance. Review status: criteria provided, multiple submitters, no conflicts (2 of 4 stars). 2 submissions from 2 submitters: Uncertain significance (2). Last evaluated 2024-11-19.

Conditions:
Hereditary cancer-predisposing syndrome. Also called: Hereditary neoplastic syndrome; Neoplastic Syndromes, Hereditary; Tumor predisposition; Hereditary Cancer Syndrome. Identifiers: Orphanet 140162, MedGen C0027672, MeSH D009386, MONDO:0015356.
Ataxia-telangiectasia syndrome (AT). Also called: Ataxia telangiectasia (A-T); LOUIS-BAR SYNDROME; Cerebello-oculocutaneous telangiectasia; Immunodeficiency with ataxia telangiectasia; Ataxia-telangiectasia, complementation group D; AT, COMPLEMENTATION GROUP C. Identifiers: Orphanet 100, MedGen C0004135, MONDO:0008840, OMIM 208900.

gnomAD v4.1: 1 of 1,611,522 alleles (0.000062%); highest among the groups gnomAD compares: Non-Finnish European, 0.000085%; no homozygotes.

Submissions (2):

Labcorp Genetics (formerly Invitae), Labcorp
Classification: Uncertain significance for Ataxia-telangiectasia syndrome. Last evaluated: 2024-11-19. Review status: criteria provided, single submitter. Criteria: Invitae Variant Classification Sherloc (09022015). Collection method: clinical testing. Allele origin: germline.
Comment: This sequence change replaces aspartic acid, which is acidic and polar, with asparagine, which is neutral and polar, at codon 983 of the ATM protein (p.Asp983Asn). This variant is not present in population databases (gnomAD no frequency). This variant has not been reported in the literature in individuals affected with ATM-related conditions. ClinVar contains an entry for this variant (Variation ID: 407493). Invitae Evidence Modeling of protein sequence and biophysical properties (such as structural, functional, and spatial information, amino acid conservation, physicochemical variation, residue mobility, and thermodynamic stability) has been performed for this missense variant. However, the output from this modeling did not meet the statistical confidence thresholds required to predict the impact of this variant on ATM protein function. In summary, the available evidence is currently insufficient to determine the role of this variant in disease. Therefore, it has been classified as a Variant of Uncertain Significance.

Ambry Genetics
Classification: Uncertain significance for Hereditary cancer-predisposing syndrome. Last evaluated: 2024-01-11. Review status: criteria provided, single submitter. Criteria: Ambry Variant Classification Scheme 2023. Collection method: clinical testing. Allele origin: germline.
Comment: The p.D983N variant (also known as c.2947G>A), located in coding exon 19 of the ATM gene, results from a G to A substitution at nucleotide position 2947. The aspartic acid at codon 983 is replaced by asparagine, an amino acid with highly similar properties. This amino acid position is highly conserved in available vertebrate species. In addition, this alteration is predicted to be tolerated by in silico analysis. Since supporting evidence is limited at this time, the clinical significance of this alteration remains unclear.

NM_000051.4(ATM):c.2947G>A (p.Asp983Asn)

Gene: ATM (ATM serine/threonine kinase; plus strand). Cytogenetic location: 11q22.3.
Variant type: single nucleotide variant.
Coding change: c.2947G>A on transcript NM_000051.4 (MANE Select); coding-DNA position 2947, G replaced by A.
Protein change: p.Asp983Asn; replaces aspartic acid 983 with asparagine.
Molecular consequence: missense variant.
Genome position (GRCh38, 1-based): chr11:108,271,276, G>A. VCF-style: chr11-108271276-G-A. GRCh37 (hg19) VCF-style: chr11-108142003-G-A.
Other names: c.2947G>A, p.Asp983Asn (NM_001351834.2); short protein forms D983N.
Identifiers: ClinVar variation 407493 (VCV000407493.16), dbSNP rs1060501560, ClinGen allele CA16613116.